The following is an entry in ClinVar:

NM_002691.4(POLD1):c.1036G>C (p.Glu346Gln)

Gene: POLD1 (DNA polymerase delta 1, catalytic subunit; plus strand). Cytogenetic location: 19q13.33.
Variant type: single nucleotide variant.
Coding change: c.1036G>C on transcript NM_002691.4 (MANE Select); coding-DNA position 1036, G replaced by C.
Protein change: p.Glu346Gln; replaces glutamic acid 346 with glutamine.
Molecular consequence: missense variant. On other transcripts: non-coding transcript variant (1).
Genome position (GRCh38, 1-based): chr19:50,403,118, G>C. VCF-style: chr19-50403118-G-C. GRCh37 (hg19) VCF-style: chr19-50906375-G-C.
Other names: c.1036G>C, p.Glu346Gln (NM_001256849.1, NM_001308632.1); short protein forms E346Q.
Identifiers: ClinVar variation 3421951 (VCV003421951.1).

ClinVar aggregate classification (germline): Uncertain significance (1 of 4 stars; one submission).

Conditions:
Hereditary cancer-predisposing syndrome. Also called: Neoplastic Syndromes, Hereditary; Tumor predisposition; Hereditary Cancer Syndrome; Hereditary neoplastic syndrome. Identifiers: Orphanet 140162, MedGen C0027672, MeSH D009386, MONDO:0015356.

gnomAD v4.1: 1 of 1,563,468 alleles (0.000064%); highest among the groups gnomAD compares: Non-Finnish European, 0.000087%; no homozygotes.

Submission:

Ambry Genetics
Classification: Uncertain significance for Hereditary cancer-predisposing syndrome. Last evaluated: 2024-08-12. Review status: criteria provided, single submitter. Criteria: Ambry Variant Classification Scheme 2023. Collection method: clinical testing. Allele origin: germline.
Comment: The p.E346Q variant (also known as c.1036G>C), located in coding exon 8 of the POLD1 gene, results from a G to C substitution at nucleotide position 1036. The glutamic acid at codon 346 is replaced by glutamine, an amino acid with highly similar properties. This amino acid position is conserved. In addition, this alteration is predicted to be tolerated by in silico analysis. Based on the available evidence, the clinical significance of this variant remains unclear.